The following is an entry in ClinVar:

ClinVar aggregate classification (germline): Conflicting classifications of pathogenicity. Review status: criteria provided, conflicting classifications (1 of 4 stars). 2 submissions from 2 submitters: Uncertain significance (1); Likely benign (1). Last evaluated 2025-02-19.

Allele frequency attached by ClinVar (database versions not stated): ExAC 0.00003; gnomAD 0.00003; gnomAD exomes 0.00004; TOPMed 0.00004.
gnomAD v4.1: 68 of 1,614,034 alleles (0.0042%); highest among the groups gnomAD compares: Middle Eastern, 0.016%; no homozygotes.

Submissions (2):

Ambry Genetics
Classification: Likely benign. Last evaluated: 2025-02-19. Review status: criteria provided, single submitter. Criteria: Ambry Variant Classification Scheme 2023. Collection method: clinical testing. Allele origin: germline.

Labcorp Genetics (formerly Invitae), Labcorp
Classification: Uncertain significance. Last evaluated: 2023-11-24. Review status: criteria provided, single submitter. Criteria: Invitae Variant Classification Sherloc (09022015). Collection method: clinical testing. Allele origin: germline.
Comment: This sequence change replaces proline, which is neutral and non-polar, with leucine, which is neutral and non-polar, at codon 1133 of the KANK1 protein (p.Pro1133Leu). This variant is present in population databases (rs201979002, gnomAD 0.08%), and has an allele count higher than expected for a pathogenic variant. This variant has not been reported in the literature in individuals affected with KANK1-related conditions. Advanced modeling of protein sequence and biophysical properties (such as structural, functional, and spatial information, amino acid conservation, physicochemical variation, residue mobility, and thermodynamic stability) performed at Invitae indicates that this missense variant is expected to disrupt KANK1 protein function with a positive predictive value of 80%. In summary, the available evidence is currently insufficient to determine the role of this variant in disease. Therefore, it has been classified as a Variant of Uncertain Significance.

NM_015158.5(KANK1):c.3398C>T (p.Pro1133Leu)

Genes: KANK1 (KN motif and ankyrin repeat domains 1; plus strand), LOC126860554 (MED14-independent group 3 enhancer GRCh37_chr9:737889-739088; plus strand). Cytogenetic location: 9p24.3.
Variant type: single nucleotide variant.
Coding change: c.3398C>T on transcript NM_015158.5 (MANE Select); coding-DNA position 3398, C replaced by T.
Protein change: p.Pro1133Leu; replaces proline 1133 with leucine.
Molecular consequence: missense variant. On other transcripts: non-coding transcript variant (1).
Genome position (GRCh38, 1-based): chr9:738,349, C>T. VCF-style: chr9-738349-C-T. GRCh37 (hg19) VCF-style: chr9-738349-C-T.
Other names: c.3398C>T, p.Pro1133Leu (NM_001256876.3, NM_001256877.3, NM_001354334.2); c.3158C>T, p.Pro1053Leu (NM_001354331.2); c.3344C>T, p.Pro1115Leu (NM_001354332.2); c.2924C>T, p.Pro975Leu (NM_001354333.2, NM_001354335.2, NM_001354337.2 and 2 more transcripts); c.2630C>T, p.Pro877Leu (NM_001354336.2); c.2870C>T, p.Pro957Leu (NM_001354338.2, NM_001354340.2, NM_001354344.2); c.2684C>T, p.Pro895Leu (NM_001354339.2, NM_001354342.2, NM_001354343.2); c.3398C>T (NM_015158.2); short protein forms P975L, P1115L, P1133L, P877L, P895L, P1053L, P957L.
Identifiers: ClinVar variation 2895115 (VCV002895115.4), dbSNP rs201979002, ClinGen allele CA4960943.